The following is an entry in ClinVar:

NM_016203.4(PRKAG2):c.1169C>T (p.Pro390Leu)

Gene: PRKAG2 (protein kinase AMP-activated non-catalytic subunit gamma 2; minus strand). Cytogenetic location: 7q36.1.
Variant type: single nucleotide variant.
Coding change: c.1169C>T on transcript NM_016203.4 (MANE Select); coding-DNA position 1169, C replaced by T.
Protein change: p.Pro390Leu; replaces proline 390 with leucine.
Molecular consequence: missense variant.
Genome position (GRCh38, 1-based): chr7:151,568,780, G>A on the plus strand (C>T on the coding strand, the complement: PRKAG2 is on the minus strand). VCF-style: chr7-151568780-G-A. GRCh37 (hg19) VCF-style: chr7-151265866-G-A.
Other names: c.1037C>T, p.Pro346Leu (NM_001040633.2); c.794C>T, p.Pro265Leu (NM_001304527.2); c.446C>T, p.Pro149Leu (NM_001304531.2, NM_024429.2); c.797C>T, p.Pro266Leu (NM_001363698.2); short protein forms P266L, P346L, P390L, P265L, P149L.
Identifiers: ClinVar variation 1411553 (VCV001411553.6), dbSNP rs2151008453, ClinGen allele CA370071543.
Genomic context (GRCh38, chr7:151,568,780, plus strand): 5'-AGCTGGAGGAACTTGAGGATTCTTTTGTGGGTAAGTATATAAAGTGCATTCCCACTGATA[G>A]GGTCAATAACGGGCAATCTGTGGATTTTATTTTTGATCAAGGAGTATACAGCATCGAAGA-3'
Protein context (NP_057287.2, residues 380-400): NKIHRLPVID[Pro390Leu]ISGNALYILT

ClinVar aggregate classification (germline): Uncertain significance (1 of 4 stars; one submission).

Conditions:
Lethal congenital glycogen storage disease of heart. Also called: PHOSPHORYLASE KINASE DEFICIENCY OF HEART; GLYCOGEN STORAGE DISEASE OF HEART. Identifiers: Orphanet 439854, MedGen C1849813, MONDO:0009867, OMIM 261740.

Submission:

Labcorp Genetics (formerly Invitae), Labcorp
Classification: Uncertain significance for Lethal congenital glycogen storage disease of heart. Last evaluated: 2021-08-14. Review status: criteria provided, single submitter. Criteria: Invitae Variant Classification Sherloc (09022015). Collection method: clinical testing. Allele origin: germline.
Comment: This sequence change replaces proline with leucine at codon 390 of the PRKAG2 protein (p.Pro390Leu). The proline residue is highly conserved and there is a moderate physicochemical difference between proline and leucine. This variant is not present in population databases (ExAC no frequency). This variant has not been reported in the literature in individuals affected with PRKAG2-related conditions. Advanced modeling of protein sequence and biophysical properties (such as structural, functional, and spatial information, amino acid conservation, physicochemical variation, residue mobility, and thermodynamic stability) performed at Invitae indicates that this missense variant is expected to disrupt PRKAG2 protein function. In summary, the available evidence is currently insufficient to determine the role of this variant in disease. Therefore, it has been classified as a Variant of Uncertain Significance.